The following is an entry in ClinVar:

ClinVar aggregate classification (germline): Uncertain significance (1 of 4 stars; one submission).

Conditions:
Inborn genetic diseases. Identifiers: MedGen C0950123, MeSH D030342.

Allele frequency attached by ClinVar (database versions not stated): ExAC 0.00001.

Submission:

Ambry Genetics
Classification: Uncertain significance for Inborn genetic diseases. Last evaluated: 2021-03-02. Review status: criteria provided, single submitter. Criteria: Ambry Variant Classification Scheme 2023. Collection method: clinical testing. Allele origin: germline.
Comment: The c.2416C>T (p.L806F) alteration is located in exon 20 (coding exon 20) of the IARS2 gene. This alteration results from a C to T substitution at nucleotide position 2416, causing the leucine (L) at amino acid position 806 to be replaced by a phenylalanine (F). The p.L806F alteration is predicted to be deleterious by in silico analysis. Based on insufficient or conflicting evidence, the clinical significance of this alteration remains unclear.

NM_018060.4(IARS2):c.2416C>T (p.Leu806Phe)

Gene: IARS2 (isoleucyl-tRNA synthetase 2, mitochondrial; plus strand). Cytogenetic location: 1q41.
Variant type: single nucleotide variant.
Coding change: c.2416C>T on transcript NM_018060.4 (MANE Select); coding-DNA position 2416, C replaced by T.
Protein change: p.Leu806Phe; replaces leucine 806 with phenylalanine.
Molecular consequence: missense variant.
Genome position (GRCh38, 1-based): chr1:220,141,804, C>T. VCF-style: chr1-220141804-C-T. GRCh37 (hg19) VCF-style: chr1-220315146-C-T.
Other names: short protein forms L806F.
Identifiers: ClinVar variation 2229342 (VCV002229342.2), dbSNP rs757262300, ClinGen allele CA1401775.